The following is an entry in ClinVar:

ClinVar aggregate classification (germline): Uncertain significance (1 of 4 stars; one submission).

Conditions:
Inborn genetic diseases. Identifiers: MedGen C0950123, MeSH D030342.

Submission:

Ambry Genetics
Classification: Uncertain significance for Inborn genetic diseases. Last evaluated: 2023-09-21. Review status: criteria provided, single submitter. Criteria: Ambry Variant Classification Scheme 2023. Collection method: clinical testing. Allele origin: germline.
Comment: Loss of function has not been established as a mechanism of disease Based on insufficient or conflicting evidence, the clinical significance of this alteration remains unclear.

NM_001130823.3(DNMT1):c.4840dup (p.Ala1614fs)

Gene: DNMT1 (DNA methyltransferase 1; minus strand). Cytogenetic location: 19p13.2.
Variant type: Duplication.
Coding change: c.4840dup on transcript NM_001130823.3 (MANE Select); coding-DNA position 4840, one base duplicated (G; older notation c.4840dupG).
Protein change: p.Ala1614fs; shifts the reading frame from alanine 1614.
Molecular consequence: frameshift variant.
Genome position (GRCh38, 1-based): chr19:10,134,241, C duplicated on the plus strand (G on the coding strand, the reverse complement: DNMT1 is on the minus strand); the first of 2 consecutive C bases (chr19:10,134,241-10,134,242); duplicating either gives the same sequence. VCF-style (leftmost placement, unchanged base first): chr19-10134240-G-GC. GRCh37 (hg19) VCF-style: chr19-10244916-G-GC.
Other names: c.4801dup, p.Ala1601fs (NM_001318730.2); c.4477dup, p.Ala1493fs (NM_001318731.2); c.4792dup, p.Ala1598fs (NM_001379.4); short protein forms A1598fs, A1601fs, A1614fs, A1493fs.
Identifiers: ClinVar variation 3084813 (VCV003084813.1), dbSNP rs2513760540, ClinGen allele CA2825002733.
Genomic context (GRCh38, chr19:10,134,240, plus strand): 5'-TCAGGCCCCAGAGGAAGCCTGGCCCACCCCACCATACCTGAGGCACTCTCTCGGGCTTTG[G>GC]CCAACATACAAAGCTTGATCTCCAAGCCAATGGCTTTGGCCAGGGGCGGTGGCACGGCAT-3'